The following is an entry in ClinVar:

ClinVar aggregate classification (germline): Uncertain significance. Review status: criteria provided, multiple submitters, no conflicts (2 of 4 stars). 3 submissions from 3 submitters: Uncertain significance (3). Last evaluated 2022-03-09.

Conditions:
Congenital muscular dystrophy due to integrin alpha-7 deficiency. Also called: Congenital muscular dystrophy with integrin alpha-7 deficiency; Muscular dystrophy, congenital, due to ITGA7 deficiency; MYOPATHY, CONGENITAL, DUE TO INTEGRIN ALPHA-7 DEFICIENCY. Identifiers: Orphanet 34520, MedGen C2750786, MONDO:0013177, OMIM 613204.

Allele frequency attached by ClinVar (database versions not stated): gnomAD exomes 0.00001; TOPMed 0.00002; gnomAD 0.00004.
gnomAD v4.1: 20 of 1,612,240 alleles (0.0012%); highest among the groups gnomAD compares: Non-Finnish European, 0.0017%; no homozygotes.

Submissions (3):

Labcorp Genetics (formerly Invitae), Labcorp
Classification: Uncertain significance for Congenital muscular dystrophy due to integrin alpha-7 deficiency. Last evaluated: 2022-03-09. Review status: criteria provided, single submitter. Criteria: Invitae Variant Classification Sherloc (09022015). Collection method: clinical testing. Allele origin: germline.
Comment: This sequence change replaces tyrosine, which is neutral and polar, with cysteine, which is neutral and slightly polar, at codon 988 of the ITGA7 protein (p.Tyr988Cys). This variant is present in population databases (no rsID available, gnomAD 0.002%). This variant has not been reported in the literature in individuals affected with ITGA7-related conditions. ClinVar contains an entry for this variant (Variation ID: 950886). Algorithms developed to predict the effect of missense changes on protein structure and function are either unavailable or do not agree on the potential impact of this missense change (SIFT: "Deleterious"; PolyPhen-2: "Possibly Damaging"; Align-GVGD: "Class C15"). In summary, the available evidence is currently insufficient to determine the role of this variant in disease. Therefore, it has been classified as a Variant of Uncertain Significance.

GeneDx
Classification: Uncertain significance. Last evaluated: 2021-01-06. Review status: criteria provided, single submitter. Criteria: GeneDx Variant Classification Process June 2021. Collection method: clinical testing. Allele origin: germline. Affected: yes.
Comment: Not observed at a significant frequency in large population cohorts (Lek et al., 2016); In silico analysis supports that this missense variant has a deleterious effect on protein structure/function; Has not been previously published as pathogenic or benign to our knowledge

Revvity Omics, Revvity
Classification: Uncertain significance for Congenital muscular dystrophy due to integrin alpha-7 deficiency. Last evaluated: 2019-02-22. Review status: criteria provided, single submitter. Criteria: ACMG Guidelines, 2015. Collection method: clinical testing. Allele origin: germline.

NM_002206.3(ITGA7):c.2963A>G (p.Tyr988Cys)

Gene: ITGA7 (integrin subunit alpha 7; minus strand). Cytogenetic location: 12q13.2.
Variant type: single nucleotide variant.
Coding change: c.2963A>G on transcript NM_002206.3 (MANE Select); coding-DNA position 2963, A replaced by G.
Protein change: p.Tyr988Cys; replaces tyrosine 988 with cysteine.
Molecular consequence: missense variant.
Genome position (GRCh38, 1-based): chr12:55,688,296, T>C on the plus strand (A>G on the coding strand, the complement: ITGA7 is on the minus strand). VCF-style: chr12-55688296-T-C. GRCh37 (hg19) VCF-style: chr12-56082080-T-C.
Other names: c.2975A>G, p.Tyr992Cys (NM_001144996.2); c.2684A>G, p.Tyr895Cys (NM_001144997.2); c.2636A>G, p.Tyr879Cys (NM_001367993.1); c.1619A>G, p.Tyr540Cys (NM_001367994.1); c.2945A>G, p.Tyr982Cys (NM_001374465.1); c.3095A>G, p.Tyr1032Cys (NM_001410977.1); c.2957A>G, p.Tyr986Cys (NM_001414029.1); c.2888A>G, p.Tyr963Cys (NM_001414030.1); and 5 more; short protein forms Y540C, Y879C, Y982C, Y988C, Y895C, Y992C, Y1032C, Y927C.
Identifiers: ClinVar variation 950886 (VCV000950886.12), dbSNP rs1191095890, ClinGen allele CA385180899.